The following is an entry in ClinVar:

NC_000012.12:g.40486582A>G

Gene: MUC19 (mucin 19, oligomeric (gene/pseudogene); plus strand). Cytogenetic location: 12q12.
Variant type: single nucleotide variant.
Genome position: GRCh38 VCF-style: chr12-40486582-A-G. GRCh37 (hg19) VCF-style: chr12-40880384-A-G.
Identifiers: ClinVar variation 2642874 (VCV002642874.24), dbSNP rs939404951, ClinGen allele CA235376662.

ClinVar aggregate classification (germline): Likely benign (1 of 4 stars; one submission).

Allele frequency attached by ClinVar (database versions not stated): gnomAD 0.00004.

Submission:

CeGaT Center for Human Genetics Tuebingen
Classification: Likely benign. Last evaluated: 2022-10-01. Review status: criteria provided, single submitter. Criteria: CeGaT Center For Human Genetics Tuebingen Variant Classification Criteria Version 2. Collection method: clinical testing. Allele origin: germline. Affected: yes. Observed: 1 variant allele.
Comment: MUC19: BP4, BP7